The following is an entry in ClinVar:

NM_001943.5(DSG2):c.1639G>A (p.Ala547Thr)

Gene: DSG2 (desmoglein 2; plus strand). Cytogenetic location: 18q12.1.
Variant type: single nucleotide variant.
Coding change: c.1639G>A on transcript NM_001943.5 (MANE Select); coding-DNA position 1639, G replaced by A.
Protein change: p.Ala547Thr; replaces alanine 547 with threonine.
Molecular consequence: missense variant.
Genome position (GRCh38, 1-based): chr18:31,536,417, G>A. VCF-style: chr18-31536417-G-A. GRCh37 (hg19) VCF-style: chr18-29116380-G-A.
Other names: short protein forms A547T.
Identifiers: ClinVar variation 1974446 (VCV001974446.7), dbSNP rs1297861303, ClinGen allele CA402142226.

ClinVar aggregate classification (germline): Uncertain significance. Review status: criteria provided, multiple submitters, no conflicts (2 of 4 stars). 2 submissions from 2 submitters: Uncertain significance (2). Last evaluated 2023-01-23.

Conditions:
Arrhythmogenic right ventricular dysplasia 10. Also called: Arrhythmogenic Right Ventricular Dysplasia/Cardiomyopathy10; ARRHYTHMOGENIC RIGHT VENTRICULAR DYSPLASIA, FAMILIAL, 10; Arrhythmogenic right ventricular dysplasia/cardiomyopathy, type 10. Identifiers: MedGen C1857777, MONDO:0012434, OMIM 610193.
Cardiomyopathy (CMYO). Also called: Cardiomyopathies. Identifiers: Orphanet 167848, MedGen C0878544, MONDO:0004994, HP:0001638. Inheritance: Various modes of inheritance.

Allele frequency attached by ClinVar (database versions not stated): gnomAD exomes below 0.00001.

Submissions (2):

Color Diagnostics, LLC DBA Color Health
Classification: Uncertain significance for Cardiomyopathy. Last evaluated: 2023-01-23. Review status: criteria provided, single submitter. Criteria: ACMG Guidelines, 2015. Collection method: clinical testing. Allele origin: germline.
Comment: This missense variant replaces alanine with threonine at codon 547 of the DSG2 protein. Computational prediction suggests that this variant may not impact protein structure and function (internally defined REVEL score threshold <= 0.5, PMID: 27666373). To our knowledge, functional studies have not been reported for this variant. This variant has not been reported in individuals affected with DSG2-related disorders in the literature. This variant has not been identified in the general population by the Genome Aggregation Database (gnomAD). The available evidence is insufficient to determine the role of this variant in disease conclusively. Therefore, this variant is classified as a Variant of Uncertain Significance.

Labcorp Genetics (formerly Invitae), Labcorp
Classification: Uncertain significance for Arrhythmogenic right ventricular dysplasia 10. Last evaluated: 2022-09-09. Review status: criteria provided, single submitter. Criteria: Invitae Variant Classification Sherloc (09022015). Collection method: clinical testing. Allele origin: germline.
Comment: This sequence change replaces alanine, which is neutral and non-polar, with threonine, which is neutral and polar, at codon 547 of the DSG2 protein (p.Ala547Thr). This variant is not present in population databases (gnomAD no frequency). This variant has not been reported in the literature in individuals affected with DSG2-related conditions. Advanced modeling of protein sequence and biophysical properties (such as structural, functional, and spatial information, amino acid conservation, physicochemical variation, residue mobility, and thermodynamic stability) performed at Invitae indicates that this missense variant is not expected to disrupt DSG2 protein function. In summary, the available evidence is currently insufficient to determine the role of this variant in disease. Therefore, it has been classified as a Variant of Uncertain Significance.